The following is an entry in ClinVar:

NM_001282684.2(KCTD17):c.898G>T (p.Gly300Ter)

Gene: KCTD17 (potassium channel tetramerization domain containing 17; plus strand). Cytogenetic location: 22q12.3.
Variant type: single nucleotide variant.
Coding change: c.898G>T on transcript NM_001282684.2 (MANE Select); coding-DNA position 898, G replaced by T.
Protein change: p.Gly300Ter; replaces glycine 300 with a stop codon.
Molecular consequence: nonsense. On other transcripts: 3 prime UTR variant (1), missense variant (1).
Genome position (GRCh38, 1-based): chr22:37,062,547, G>T. VCF-style: chr22-37062547-G-T. GRCh37 (hg19) VCF-style: chr22-37458587-G-T.
Other names: c.*69G>T (NM_001282685.2); c.635G>T, p.Arg212Leu (NM_001282686.2); c.826G>T, p.Gly276Ter (NM_024681.4); short protein forms G276*, R212L, G300*.
Identifiers: ClinVar variation 2196040 (VCV002196040.4), dbSNP rs143403650, ClinGen allele CA10215204.

ClinVar aggregate classification (germline): Uncertain significance (1 of 4 stars; one submission).

Conditions:
Myoclonic dystonia 26. Identifiers: MedGen C4225341, MONDO:0014620, OMIM 616398.

Submission:

Labcorp Genetics (formerly Invitae), Labcorp
Classification: Uncertain significance for Myoclonic dystonia 26. Last evaluated: 2022-09-12. Review status: criteria provided, single submitter. Criteria: Invitae Variant Classification Sherloc (09022015). Collection method: clinical testing. Allele origin: germline.
Comment: In summary, the available evidence is currently insufficient to determine the role of this variant in disease. Therefore, it has been classified as a Variant of Uncertain Significance. Experimental studies and prediction algorithms are not available or were not evaluated, and the functional significance of this variant is currently unknown. This variant has not been reported in the literature in individuals affected with KCTD17-related conditions. The frequency data for this variant in the population databases is considered unreliable, as metrics indicate poor data quality at this position in the gnomAD database. This sequence change creates a premature translational stop signal (p.Gly307*) in the KCTD17 gene. While this is not anticipated to result in nonsense mediated decay, it is expected to disrupt the last 15 amino acid(s) of the KCTD17 protein.